The following is an entry in ClinVar:

ClinVar aggregate classification (germline): Uncertain significance. Review status: criteria provided, multiple submitters, no conflicts (2 of 4 stars). 2 submissions from 2 submitters: Uncertain significance (2). Last evaluated 2021-08-27.

Conditions:
Pontocerebellar hypoplasia type 3 (PCH3). Also called: PCH WITH OPTIC ATROPHY; CEREBELLAR ATROPHY WITH PROGRESSIVE MICROCEPHALY. Identifiers: Orphanet 97249, MedGen C1842687, MONDO:0011948, OMIM 608027.

Allele frequency attached by ClinVar (database versions not stated): gnomAD exomes 0.00001; ExAC 0.00002.
gnomAD v4.1: 3 of 1,613,662 alleles (0.00019%); highest among the groups gnomAD compares: Admixed American, 0.005%; no homozygotes.

Submissions (2):

Labcorp Genetics (formerly Invitae), Labcorp
Classification: Uncertain significance. Last evaluated: 2021-08-27. Review status: criteria provided, single submitter. Criteria: Invitae Variant Classification Sherloc (09022015). Collection method: clinical testing. Allele origin: germline.
Comment: This sequence change replaces serine with proline at codon 3891 of the PCLO protein (p.Ser3891Pro). The serine residue is moderately conserved and there is a moderate physicochemical difference between serine and proline. This variant is present in population databases (rs761884390, ExAC 0.02%). This variant has not been reported in the literature in individuals affected with PCLO-related conditions. Algorithms developed to predict the effect of missense changes on protein structure and function are either unavailable or do not agree on the potential impact of this missense change (SIFT: "Tolerated"; PolyPhen-2: "Not Available"; Align-GVGD: "Class C0"). In summary, the available evidence is currently insufficient to determine the role of this variant in disease. Therefore, it has been classified as a Variant of Uncertain Significance.

Baylor Genetics
Classification: Uncertain significance for Pontocerebellar hypoplasia type 3. Last evaluated: 2018-03-01. Review status: criteria provided, single submitter. Criteria: ACMG Guidelines, 2015. Collection method: clinical testing. Allele origin: maternal. Affected: yes.
Comment: This variant was determined to be of uncertain significance according to ACMG Guidelines, 2015 [PMID:25741868].

NM_033026.6(PCLO):c.11671T>C (p.Ser3891Pro)

Gene: PCLO (piccolo presynaptic cytomatrix protein; minus strand). Cytogenetic location: 7q21.11.
Variant type: single nucleotide variant.
Coding change: c.11671T>C on transcript NM_033026.6 (MANE Select); coding-DNA position 11671, T replaced by C.
Protein change: p.Ser3891Pro; replaces serine 3891 with proline.
Molecular consequence: missense variant.
Genome position (GRCh38, 1-based): chr7:82,916,315, A>G on the plus strand (T>C on the coding strand, the complement: PCLO is on the minus strand). VCF-style: chr7-82916315-A-G. GRCh37 (hg19) VCF-style: chr7-82545631-A-G.
Other names: c.11671T>C, p.Ser3891Pro (NM_014510.3); short protein forms S3891P.
Identifiers: ClinVar variation 1031532 (VCV001031532.6), dbSNP rs761884390, ClinGen allele CA4319524.
Genomic context (GRCh38, chr7:82,916,315, plus strand): 5'-GCTCAAAATGAGACTGTTGAGTGTATGAGGTGGGTGCTTGGGTAGGAAGAGCAGGGGAAG[A>G]GTACTGGTATTGTGTGTAAGGACTTGTCGGAGGAACTAGTTGAGATTCTGTTTGGGTTTG-3'
Protein context (NP_149015.2, residues 3881-3901): PTSPYTQYQY[Ser3891Pro]SPALPTQAPT